The following is an entry in ClinVar:

ClinVar aggregate classification (germline): Uncertain significance (1 of 4 stars; one submission).

Conditions:
Ullrich congenital muscular dystrophy 2 (UCMD2). Identifiers: Orphanet 75840, MedGen C4225314, MONDO:0014654, OMIM 616470.
Bethlem myopathy 2 (BTHLM2). Identifiers: Orphanet 536516, Orphanet 610, MedGen C4225313, MONDO:0034022, OMIM 616471.

Submission:

Labcorp Genetics (formerly Invitae), Labcorp
Classification: Uncertain significance for Bethlem myopathy 2; Ullrich congenital muscular dystrophy 2. Last evaluated: 2022-02-09. Review status: criteria provided, single submitter. Criteria: Invitae Variant Classification Sherloc (09022015). Collection method: clinical testing. Allele origin: germline.
Comment: This sequence change replaces arginine, which is basic and polar, with serine, which is neutral and polar, at codon 1930 of the COL12A1 protein (p.Arg1930Ser). This variant is not present in population databases (gnomAD no frequency). This variant has not been reported in the literature in individuals affected with COL12A1-related conditions. Algorithms developed to predict the effect of missense changes on protein structure and function are either unavailable or do not agree on the potential impact of this missense change (SIFT: "Deleterious"; PolyPhen-2: "Benign"; Align-GVGD: "Class C0"). In summary, the available evidence is currently insufficient to determine the role of this variant in disease. Therefore, it has been classified as a Variant of Uncertain Significance.

NM_004370.6(COL12A1):c.5790G>C (p.Arg1930Ser)

Gene: COL12A1 (collagen type XII alpha 1 chain; minus strand). Cytogenetic location: 6q13.
Variant type: single nucleotide variant.
Coding change: c.5790G>C on transcript NM_004370.6 (MANE Select); coding-DNA position 5790, G replaced by C.
Protein change: p.Arg1930Ser; replaces arginine 1930 with serine.
Molecular consequence: missense variant.
Genome position (GRCh38, 1-based): chr6:75,133,297, C>G on the plus strand (G>C on the coding strand, the complement: COL12A1 is on the minus strand). VCF-style: chr6-75133297-C-G. GRCh37 (hg19) VCF-style: chr6-75843013-C-G.
Other names: c.2298G>C, p.Arg766Ser (NM_080645.3); short protein forms R1930S, R766S.
Identifiers: ClinVar variation 1442680 (VCV001442680.3), dbSNP rs2149387040, ClinGen allele CA364733875.